The following is an entry in ClinVar:

ClinVar aggregate classification (germline): Uncertain significance (1 of 4 stars; one submission).

Submission:

GeneDx
Classification: Uncertain significance. Last evaluated: 2026-04-22. Review status: criteria provided, single submitter. Criteria: GeneDx Variant Classification Process June 2021. Collection method: clinical testing. Allele origin: germline.
Comment: Not observed at significant frequency in large population cohorts (gnomAD); In silico analysis supports that this missense variant has a deleterious effect on protein structure/function; Has not been previously published as pathogenic or benign to our knowledge

NM_006946.4(SPTBN2):c.1826C>A (p.Pro609Gln)

Gene: SPTBN2 (spectrin beta, non-erythrocytic 2; minus strand). Cytogenetic location: 11q13.2.
Variant type: single nucleotide variant.
Coding change: c.1826C>A on transcript NM_006946.4 (MANE Select); coding-DNA position 1826, C replaced by A.
Protein change: p.Pro609Gln; replaces proline 609 with glutamine.
Molecular consequence: missense variant.
Genome position (GRCh38, 1-based): chr11:66,705,450, G>T on the plus strand (C>A on the coding strand, the complement: SPTBN2 is on the minus strand). VCF-style: chr11-66705450-G-T. GRCh37 (hg19) VCF-style: chr11-66472921-G-T.
Other names: c.1847C>A, p.Pro616Gln (NM_001411025.1); c.1826C>A, p.Pro609Gln (NM_001437541.1); short protein forms P609Q, P616Q.
Identifiers: ClinVar variation 5037285 (VCV005037285.1).
Genomic context (GRCh38, chr11:66,705,450, plus strand): 5'-AACTCGCACAGTGCCTCATAGCTCTGCTCTAGCTTGGCCACCCGCTCCGACACCAGCTGC[G>T]GGTCGCAAGGTCTATACTCTGAGAAAGTCACAGGAGAGGGTCAGAGCCTTAACCCAGCCC-3'
Protein context (NP_008877.2, residues 599-619): NPGKEYRPCD[Pro609Gln]QLVSERVAKL